The following is an entry in ClinVar:

NM_000059.4(BRCA2):c.6627A>C (p.Ile2209=)

Gene: BRCA2 (BRCA2 DNA repair associated; plus strand). Cytogenetic location: 13q13.1.
Variant type: single nucleotide variant.
Coding change: c.6627A>C on transcript NM_000059.4 (MANE Select); coding-DNA position 6627, A replaced by C.
Protein change: p.Ile2209=; no amino-acid change (isoleucine 2209 retained).
Molecular consequence: synonymous variant.
Genome position (GRCh38, 1-based): chr13:32,340,982, A>C. VCF-style: chr13-32340982-A-C. GRCh37 (hg19) VCF-style: chr13-32915119-A-C.
Identifiers: ClinVar variation 215611 (VCV000215611.16), dbSNP rs147275663, ClinGen allele CA337248.

ClinVar aggregate classification (germline): Likely benign. Review status: reviewed by expert panel (3 of 4 stars). 4 submissions from 4 submitters: Likely benign (1). 3 of the submissions do not count toward it. Last evaluated 2017-06-29.

Conditions:
Hereditary cancer-predisposing syndrome. Also called: Tumor predisposition; Hereditary Cancer Syndrome; Neoplastic Syndromes, Hereditary; Hereditary neoplastic syndrome. Identifiers: Orphanet 140162, MedGen C0027672, MeSH D009386, MONDO:0015356.
Hereditary breast ovarian cancer syndrome. Also called: Hereditary breast and/or ovarian cancer syndrome; BRCA1- and BRCA2-Associated Hereditary Breast and Ovarian Cancer; Hereditary breast and ovarian cancer; Hereditary breast and ovarian cancer syndrome (HBOC); Breast and ovarian cancer; Hereditary breast and ovarian cancer syndrome. Identifiers: Orphanet 145, MedGen C0677776, MeSH D061325, MONDO:0003582. Disease mechanism: loss of function.
Breast-ovarian cancer, familial, susceptibility to, 2 (BROVCA2). Also called: BRCA2 Hereditary Breast and Ovarian Cancer. Identifiers: Orphanet 145, MedGen C2675520, MONDO:0012933, OMIM 612555. Disease mechanism: loss of function.

Allele frequency attached by ClinVar (database versions not stated): gnomAD exomes below 0.00001; ExAC 0.00001; gnomAD 0.00001; TOPMed 0.00002; ESP Exome Variant Server 0.00008.
gnomAD v4.1: 1 of 1,608,740 alleles (0.000062%); highest among the groups gnomAD compares: African/African-American, 0.0013%; no homozygotes.

Submissions (4):

Evidence-based Network for the Interpretation of Germline Mutant Alleles (ENIGMA)
Classification: Likely benign for Breast-ovarian cancer, familial, susceptibility to, 2. Last evaluated: 2017-06-29. Review status: reviewed by expert panel. Criteria: ENIGMA BRCA1/2 Classification Criteria (2017-06-29). Collection method: curation. Allele origin: germline.
Comment: Synonymous substitution variant, with low bioinformatic likelihood to result in a splicing aberration (Splicing prior probability 0.02).

Labcorp Genetics (formerly Invitae), Labcorp
Classification: Likely benign for Hereditary breast ovarian cancer syndrome. Last evaluated: 2024-01-29. Review status: criteria provided, single submitter. Criteria: Invitae Variant Classification Sherloc (09022015). Collection method: clinical testing. Allele origin: germline. Not counted in ClinVar's aggregate classification.

Quest Diagnostics Nichols Institute San Juan Capistrano
Classification: Likely benign. Last evaluated: 2021-07-23. Review status: criteria provided, single submitter. Criteria: Quest Diagnostics criteria. Collection method: clinical testing. Allele origin: unknown. Not counted in ClinVar's aggregate classification.

Ambry Genetics
Classification: Likely benign for Hereditary cancer-predisposing syndrome. Last evaluated: 2018-05-04. Review status: criteria provided, single submitter. Criteria: Ambry Variant Classification Scheme 2023. Collection method: clinical testing. Allele origin: germline. Not counted in ClinVar's aggregate classification.